The following is an entry in ClinVar:

NM_005219.5(DIAPH1):c.1358A>G (p.Lys453Arg)

Gene: DIAPH1 (diaphanous related formin 1; minus strand). Cytogenetic location: 5q31.3.
Variant type: single nucleotide variant.
Coding change: c.1358A>G on transcript NM_005219.5 (MANE Select); coding-DNA position 1358, A replaced by G.
Protein change: p.Lys453Arg; replaces lysine 453 with arginine.
Molecular consequence: missense variant.
Genome position (GRCh38, 1-based): chr5:141,576,794, T>C on the plus strand (A>G on the coding strand, the complement: DIAPH1 is on the minus strand). VCF-style: chr5-141576794-T-C. GRCh37 (hg19) VCF-style: chr5-140956361-T-C.
Other names: c.1358A>G (NM_005219.4); c.1331A>G, p.Lys444Arg (NM_001079812.3); c.1358A>G, p.Lys453Arg (NM_001314007.2); short protein forms K444R, K453R.
Identifiers: ClinVar variation 1013853 (VCV001013853.11), dbSNP rs368435886, ClinGen allele CA3479324.

ClinVar aggregate classification (germline): Uncertain significance. Review status: criteria provided, multiple submitters, no conflicts (2 of 4 stars). 3 submissions from 3 submitters: Uncertain significance (3). Last evaluated 2026-08-22.

Conditions:
DIAPH1-related disorder. Also called: DIAPH1-related condition.
Autosomal dominant nonsyndromic hearing loss 1. Also called: DEAFNESS, AUTOSOMAL DOMINANT 1, WITH OR WITHOUT THROMBOCYTOPENIA; KONIGSMARK SYNDROME. Identifiers: Orphanet 90635, MedGen C1852282, MONDO:0007424, OMIM 124900.
Progressive microcephaly-seizures-cortical blindness-developmental delay syndrome. Also called: Seizures, cortical blindness, and microcephaly syndrome. Identifiers: Orphanet 477814, MedGen C5567650, MONDO:0014714, OMIM 616632.
Inborn genetic diseases. Identifiers: MedGen C0950123, MeSH D030342.

Allele frequency attached by ClinVar (database versions not stated): TOPMed 0.00001; ExAC 0.00002; gnomAD exomes 0.00002; ESP Exome Variant Server 0.00008.
gnomAD v4.1: 30 of 1,613,882 alleles (0.0019%); highest among the groups gnomAD compares: Non-Finnish European, 0.0025%; no homozygotes.

Submissions (3):

PreventionGenetics, part of Exact Sciences
Classification: Uncertain significance for DIAPH1-related condition. Last evaluated: 2026-08-22. Review status: criteria provided, single submitter. Criteria: ACMG Guidelines, 2015. Collection method: clinical testing. Allele origin: germline.
Comment: The DIAPH1 c.1358A>G variant is predicted to result in the amino acid substitution p.Lys453Arg. To our knowledge, this variant has not been reported in the literature. This variant is reported in 0.0026% of alleles in individuals of European (Non-Finnish) descent in gnomAD. At this time, the clinical significance of this variant is uncertain due to the absence of conclusive functional and genetic evidence.

Labcorp Genetics (formerly Invitae), Labcorp
Classification: Uncertain significance for Progressive microcephaly-seizures-cortical blindness-developmental delay syndrome; Autosomal dominant nonsyndromic hearing loss 1. Last evaluated: 2025-12-21. Review status: criteria provided, single submitter. Criteria: Invitae Variant Classification Sherloc (09022015). Collection method: clinical testing. Allele origin: germline.
Comment: This sequence change replaces lysine, which is basic and polar, with arginine, which is basic and polar, at codon 453 of the DIAPH1 protein (p.Lys453Arg). This variant is present in population databases (rs368435886, gnomAD 0.003%). This variant has not been reported in the literature in individuals affected with DIAPH1-related conditions. ClinVar contains an entry for this variant (Variation ID: 1013853). An algorithm developed to predict the effect of missense changes on protein structure and function outputs the following: PolyPhen-2: "Not Available". The arginine amino acid residue is found in multiple mammalian species, which suggests that this missense change does not adversely affect protein function. In summary, the available evidence is currently insufficient to determine the role of this variant in disease. Therefore, it has been classified as a Variant of Uncertain Significance.

Ambry Genetics
Classification: Uncertain significance for Inborn genetic diseases. Last evaluated: 2025-12-04. Review status: criteria provided, single submitter. Criteria: Ambry Variant Classification Scheme 2023. Collection method: clinical testing. Allele origin: germline.